The following is an entry in ClinVar:

NM_032608.7(MYO18B):c.6455G>T (p.Arg2152Leu)

Gene: MYO18B (myosin XVIIIB; plus strand). Cytogenetic location: 22q12.1.
Variant type: single nucleotide variant.
Coding change: c.6455G>T on transcript NM_032608.7 (MANE Select); coding-DNA position 6455, G replaced by T.
Protein change: p.Arg2152Leu; replaces arginine 2152 with leucine.
Molecular consequence: missense variant.
Genome position (GRCh38, 1-based): chr22:26,004,840, G>T. VCF-style: chr22-26004840-G-T. GRCh37 (hg19) VCF-style: chr22-26400806-G-T.
Other names: c.6458G>T, p.Arg2153Leu (NM_001318245.2); short protein forms R2153L, R2152L.
Identifiers: ClinVar variation 3712510 (VCV003712510.2).

ClinVar aggregate classification (germline): Uncertain significance (1 of 4 stars; one submission).

gnomAD v4.1: 1 of 1,613,434 alleles (0.000062%); no homozygotes.

Submission:

Labcorp Genetics (formerly Invitae), Labcorp
Classification: Uncertain significance. Last evaluated: 2024-03-10. Review status: criteria provided, single submitter. Criteria: Invitae Variant Classification Sherloc (09022015). Collection method: clinical testing. Allele origin: germline.
Comment: This sequence change replaces arginine, which is basic and polar, with leucine, which is neutral and non-polar, at codon 2152 of the MYO18B protein (p.Arg2152Leu). This variant is present in population databases (no rsID available, gnomAD 0.0009%). This variant has not been reported in the literature in individuals affected with MYO18B-related conditions. An algorithm developed to predict the effect of missense changes on protein structure and function (PolyPhen-2) suggests that this variant is likely to be tolerated. In summary, the available evidence is currently insufficient to determine the role of this variant in disease. Therefore, it has been classified as a Variant of Uncertain Significance.